The following is an entry in ClinVar:

ClinVar aggregate classification (germline): Pathogenic (1 of 4 stars; one submission).

Conditions:
Glycogen storage disease, type II (IOPD). Also called: Pompe Disease; CARDIOMEGALIA GLYCOGENICA DIFFUSA; GLYCOGENOSIS, GENERALIZED, CARDIAC FORM; GSD II; POMPE DISEASE, INFANTILE-ONSET; GLYCOGEN STORAGE DISEASE II, INFANTILE-ONSET. Identifiers: Orphanet 365, MedGen C0017921, MONDO:0009290, OMIM 232300.

Submission:

Genomenon, Inc
Classification: Pathogenic for Glycogen storage disease, type II. Last evaluated: 2026-07-01. Review status: criteria provided, single submitter. Criteria: Genomenon Sequence Variant Interpretation Standards - Updated. Collection method: curation. Allele origin: germline. Affected: yes.
Comment: GAA c.859-2A>T is a canonical splice variant affecting the acceptor splice site of intron 4. It is predicted to affect mRNA splicing, leading to a deleterious effect on the GAA protein. This variant has been observed in at least one proband with a GAA-related disorder (PMID:35833019;35603335;28394184;24269976). At least one splicing study has demonstrated that this variant results in aberrant splicing (PMID:24269976). It is absent or not present at a significant frequency in gnomAD. In conclusion, we classify GAA c.859-2A>T as a pathogenic variant.

Literature cited by the submitters: PubMed 35833019; PubMed 35603335; PubMed 28394184; PubMed 24269976.

NM_000152.5(GAA):c.859-2A>T

Gene: GAA (alpha glucosidase; plus strand). Cytogenetic location: 17q25.3.
Variant type: single nucleotide variant.
Coding change: c.859-2A>T on transcript NM_000152.5 (MANE Select); the canonical splice acceptor site of the intron before coding-DNA position 859, A replaced by T.
Molecular consequence: splice acceptor variant.
Genome position (GRCh38, 1-based): chr17:80,107,798, A>T. VCF-style: chr17-80107798-A-T. GRCh37 (hg19) VCF-style: chr17-78081597-A-T.
Other names: c.859-2A>T (NM_001406741.1, NM_001406742.1, NM_001079803.3 and 1 more transcripts).
Identifiers: ClinVar variation 4876425 (VCV004876425.1).
Genomic context (GRCh38, chr17:80,107,798, plus strand): 5'-GCGGGCGGGGGCACTGAGCTGGGGAGCGCAGGTGCTGAAGCGCCGTCTCCTGCATGTCCC[A>T]GCCCGGTGCGAACCTCTACGGGTCTCACCCTTTCTACCTGGCGCTGGAGGACGGCGGGTC-3'